The following is an entry in ClinVar:

NM_004850.5(ROCK2):c.3609-11A>C

Gene: ROCK2 (Rho associated coiled-coil containing protein kinase 2; minus strand). Cytogenetic location: 2p25.1.
Variant type: single nucleotide variant.
Coding change: c.3609-11A>C on transcript NM_004850.5 (MANE Select); 11 bases into the intron before coding-DNA position 3609, A replaced by C.
Molecular consequence: intron variant.
Genome position (GRCh38, 1-based): chr2:11,193,868, T>G on the plus strand (A>C on the coding strand, the complement: ROCK2 is on the minus strand). VCF-style: chr2-11193868-T-G. GRCh37 (hg19) VCF-style: chr2-11333994-T-G.
Other names: c.3351-11A>C (NM_001321643.2).
Identifiers: ClinVar variation 403386 (VCV000403386.5), dbSNP rs2271621, ClinGen allele CA1529823.

ClinVar aggregate classification (germline): Benign. Review status: criteria provided, multiple submitters, no conflicts (2 of 4 stars). 2 submissions from 2 submitters: Benign (2). Last evaluated 2016-03-29.

Allele frequency attached by ClinVar (database versions not stated): ESP Exome Variant Server 0.23093; TOPMed 0.23881; gnomAD 0.23921 and 0.24647; gnomAD exomes 0.28552 and 0.30142; 1000 Genomes Project 30x 0.28841; 1000 Genomes Project 0.30192; ExAC 0.31816.
gnomAD v4.1: 433,027 of 1,535,340 alleles (28%); highest among the groups gnomAD compares: East Asian, 53%; 64,667 homozygotes.

Submissions (2):

Laboratory for Molecular Medicine, Mass General Brigham Personalized Medicine
Classification: Benign. Last evaluated: 2016-03-29. Review status: criteria provided, single submitter. Criteria: LMM Criteria. Collection method: clinical testing. Allele origin: germline.
Comment: Variant identified in a genome or exome case(s) and assessed due to predicted null impact of the variant or pathogenic assertions in the literature or databases. Disclaimer: This variant has not undergone full assessment. The following are preliminary notes: Frequency

Breakthrough Genomics
Classification: Benign. Review status: criteria provided, single submitter. Criteria: ACMG Guidelines, 2015. Collection method: not provided. Allele origin: germline. Inheritance: Unknown mechanism. Affected: yes.